The following is an entry in ClinVar:

ClinVar aggregate classification (germline): Uncertain significance (1 of 4 stars; one submission).

Conditions:
Amyotrophic lateral sclerosis type 1 (ALS1). Also called: AMYOTROPHIC LATERAL SCLEROSIS 1, FAMILIAL. Identifiers: Orphanet 803, MedGen C1862939, MONDO:0007103, OMIM 105400.
Perry syndrome. Also called: PARKINSONISM WITH ALVEOLAR HYPOVENTILATION AND MENTAL DEPRESSION. Identifiers: Orphanet 178509, MedGen C1868594, MONDO:0008201, OMIM 168605.
Neuronopathy, distal hereditary motor, type 7B. Also called: HMN VIIB; LOWER MOTOR NEURON DISEASE, DYNACTIN TYPE; NEURONOPATHY, DISTAL HEREDITARY MOTOR, AUTOSOMAL DOMINANT 14; NEURONOPATHY, DISTAL HEREDITARY MOTOR, HARDING TYPE VIIB; NEUROPATHY, DISTAL HEREDITARY MOTOR, HARDING TYPE VIIB; NEUROPATHY, DISTAL HEREDITARY MOTOR, WITH VOCAL CORD PARALYSIS, HARDING TYPE VIIB. Identifiers: Orphanet 139589, MedGen C1843315, MONDO:0011879, OMIM 607641.

gnomAD v4.1: 5 of 1,612,276 alleles (0.00031%); highest among the groups gnomAD compares: Non-Finnish European, 0.00042%; no homozygotes.

Submission:

Labcorp Genetics (formerly Invitae), Labcorp
Classification: Uncertain significance for Amyotrophic lateral sclerosis type 1; Neuronopathy, distal hereditary motor, type 7B; Perry syndrome. Last evaluated: 2022-07-20. Review status: criteria provided, single submitter. Criteria: Invitae Variant Classification Sherloc (09022015). Collection method: clinical testing. Allele origin: germline.
Comment: In summary, the available evidence is currently insufficient to determine the role of this variant in disease. Therefore, it has been classified as a Variant of Uncertain Significance. Algorithms developed to predict the effect of sequence changes on RNA splicing suggest that this variant may create or strengthen a splice site. This variant has not been reported in the literature in individuals affected with DCTN1-related conditions. This variant is not present in population databases (gnomAD no frequency). This sequence change falls in intron 21 of the DCTN1 gene. It does not directly change the encoded amino acid sequence of the DCTN1 protein.

NM_004082.5(DCTN1):c.2467-8G>A

Gene: DCTN1 (dynactin subunit 1; minus strand). Cytogenetic location: 2p13.1.
Variant type: single nucleotide variant.
Coding change: c.2467-8G>A on transcript NM_004082.5 (MANE Select); 8 bases into the intron before coding-DNA position 2467, G replaced by A.
Molecular consequence: intron variant.
Genome position (GRCh38, 1-based): chr2:74,366,628, C>T on the plus strand (G>A on the coding strand, the complement: DCTN1 is on the minus strand). VCF-style: chr2-74366628-C-T. GRCh37 (hg19) VCF-style: chr2-74593755-C-T.
Other names: c.2356-8G>A (NM_001190836.2); c.2398-8G>A (NM_001378992.1); c.2416-8G>A (NM_001378991.1); c.2407-8G>A (NM_001135040.3); c.2446-8G>A (NM_001190837.2); c.2065-8G>A (NM_001135041.3, NM_023019.4).
Identifiers: ClinVar variation 2141049 (VCV002141049.4), dbSNP rs779001284, ClinGen allele CA2577008768.